The following is an entry in ClinVar:

NM_022367.4(SEMA4A):c.*538T>C

Gene: SEMA4A (semaphorin 4A; plus strand). Cytogenetic location: 1q22.
Variant type: single nucleotide variant.
Coding change: c.*538T>C on transcript NM_022367.4 (MANE Select); 538 bases downstream of the stop codon, T replaced by C.
Molecular consequence: 3 prime UTR variant.
Genome position (GRCh38, 1-based): chr1:156,177,535, T>C. VCF-style: chr1-156177535-T-C. GRCh37 (hg19) VCF-style: chr1-156147326-T-C.
Other names: c.*538T>C (NM_001193300.2, NM_001193301.2, NM_001193302.2 and 4 more transcripts).
Identifiers: ClinVar variation 292867 (VCV000292867.7), dbSNP rs7695, ClinGen allele CA10608345.

ClinVar aggregate classification (germline): Benign/Likely benign. Review status: criteria provided, multiple submitters, no conflicts (2 of 4 stars). 3 submissions from 2 submitters: Benign (2); Likely benign (1). Last evaluated 2018-01-13.

Conditions:
Cone-rod dystrophy 10 (CORD10). Identifiers: Orphanet 1872, MedGen C1846529, MONDO:0012464, OMIM 610283.
Retinitis pigmentosa (RP). Identifiers: Orphanet 791, MedGen C0035334, MeSH D012174, MONDO:0019200, OMIM 268000. Inheritance: Autosomal dominant, autosomal recessive and X linked inheritance.

Allele frequency attached by ClinVar (database versions not stated): 1000 Genomes Project 0.25839; 1000 Genomes Project 30x 0.26437; gnomAD exomes 0.31912; TOPMed 0.34446; gnomAD 0.35329 and 0.36079.
gnomAD v4.1: 63,398 of 182,336 alleles (35%); highest among the groups gnomAD compares: Non-Finnish European, 39%; 11,750 homozygotes.

Submissions (3):

Illumina Laboratory Services, Illumina
Classification: Benign for Cone-rod dystrophy 10. Last evaluated: 2018-01-13. Review status: criteria provided, single submitter. Criteria: ICSL Variant Classification Criteria 13 December 2019. Collection method: clinical testing. Allele origin: germline.
Comment: This variant was observed in the ICSL laboratory as part of a predisposition screen in an ostensibly healthy population. It had not been previously curated by ICSL or reported in the Human Gene Mutation Database (HGMD: prior to June 1st, 2018), and was therefore a candidate for classification through an automated scoring system. Utilizing variant allele frequency, disease prevalence and penetrance estimates, and inheritance mode, an automated score was calculated to assess if this variant is too frequent to cause the disease. Based on the score and internal cut-off values, a variant classified as benign is not then subjected to further curation. The score for this variant resulted in a classification of benign for this disease.

Illumina Laboratory Services, Illumina
Classification: Benign for Retinitis pigmentosa. Last evaluated: 2018-01-13. Review status: criteria provided, single submitter. Criteria: ICSL Variant Classification Criteria 13 December 2019. Collection method: clinical testing. Allele origin: germline.
Comment: the same text as in the submission from Illumina Laboratory Services, Illumina above.

Breakthrough Genomics
Classification: Likely benign. Review status: criteria provided, single submitter. Criteria: ACMG Guidelines, 2015. Collection method: not provided. Allele origin: germline. Inheritance: Autosomal recessive inheritance. Affected: yes.